The following is an entry in ClinVar:

ClinVar aggregate classification (germline): Uncertain significance (1 of 4 stars; one submission).

Submission:

GeneDx
Classification: Uncertain significance. Last evaluated: 2022-01-24. Review status: criteria provided, single submitter. Criteria: GeneDx Variant Classification Process June 2021. Collection method: clinical testing. Allele origin: germline. Affected: yes.
Comment: Not observed at significant frequency in large population cohorts (gnomAD); Missense variant in a gene in which most reported pathogenic variants are truncating/loss-of-function; Has not been previously published as pathogenic or benign to our knowledge; This variant is associated with the following publications: (PMID: 23975875)

NM_001267550.2(TTN):c.86689A>G (p.Asn28897Asp)

Genes: TTN (titin; minus strand), TTN-AS1 (TTN antisense RNA 1; plus strand). Cytogenetic location: 2q31.2.
Variant type: single nucleotide variant.
Coding change: c.86689A>G on transcript NM_001267550.2 (MANE Select); coding-DNA position 86689, A replaced by G.
Protein change: p.Asn28897Asp; replaces asparagine 28897 with aspartic acid.
Molecular consequence: missense variant.
Genome position (GRCh38, 1-based): chr2:178,559,443, T>C on the plus strand (A>G on the coding strand, the complement: TTN is on the minus strand). VCF-style: chr2-178559443-T-C. GRCh37 (hg19) VCF-style: chr2-179424170-T-C.
Other names: c.81766A>G, p.Asn27256Asp (NM_001256850.1); c.59494A>G, p.Asn19832Asp (NM_003319.4); c.78985A>G, p.Asn26329Asp (NM_133378.4); c.59869A>G, p.Asn19957Asp (NM_133432.3); c.60070A>G, p.Asn20024Asp (NM_133437.4); short protein forms N19832D, N19957D, N20024D, N26329D, N27256D, N28897D.
Identifiers: ClinVar variation 1698063 (VCV001698063.2), dbSNP rs1702786623, ClinGen allele CA349542112.